The following is an entry in ClinVar:

NM_001220.5(CAMK2B):c.1662T>G (p.Phe554Leu)

Gene: CAMK2B (calcium/calmodulin dependent protein kinase II beta; minus strand). Cytogenetic location: 7p13.
Variant type: single nucleotide variant.
Coding change: c.1662T>G on transcript NM_001220.5 (MANE Select); coding-DNA position 1662, T replaced by G.
Protein change: p.Phe554Leu; replaces phenylalanine 554 with leucine.
Molecular consequence: missense variant.
Genome position (GRCh38, 1-based): chr7:44,220,837, A>C on the plus strand (T>G on the coding strand, the complement: CAMK2B is on the minus strand). VCF-style: chr7-44220837-A-C. GRCh37 (hg19) VCF-style: chr7-44260436-A-C.
Other names: c.1290T>G, p.Phe430Leu (NM_001293170.2, NM_172078.3); c.1218T>G, p.Phe406Leu (NM_172079.3, NM_172082.3); c.1215T>G, p.Phe405Leu (NM_172080.3); c.1173T>G, p.Phe391Leu (NM_172081.3); c.1101T>G, p.Phe367Leu (NM_172083.3); c.1011T>G, p.Phe337Leu (NM_172084.3); short protein forms F337L, F367L, F391L, F405L, F406L, F430L, F554L.
Identifiers: ClinVar variation 4845485 (VCV004845485.1).

ClinVar aggregate classification (germline): Uncertain significance (1 of 4 stars; one submission).

Submission:

Greenwood Genetic Center Diagnostic Laboratories, Greenwood Genetic Center
Classification: Uncertain significance. Last evaluated: 2025-11-24. Review status: criteria provided, single submitter. Criteria: ACMG Guidelines, 2015. Collection method: clinical testing. Allele origin: germline. Affected: yes.
Comment: PM2, PP2, PP3